The following is an entry in ClinVar:

NC_000023.10:g.(?_48542243)_(48652571_?)del

Genes: GATA1 (GATA binding protein 1; plus strand), GLOD5 (glyoxalase domain containing 5; plus strand), SUV39H1 (SUV39H1 histone lysine methyltransferase; plus strand), WAS (WASP actin nucleation promoting factor; plus strand). Cytogenetic location: Xp11.23.
Variant type: Deletion.
Identifiers: ClinVar variation 2424348 (VCV002424348.10).

ClinVar aggregate classification (germline): Pathogenic (1 of 4 stars; one submission).

Conditions:
GATA binding protein 1 related thrombocytopenia with dyserythropoiesis. Also called: GATA1-Related Cytopenia; GATA1-Related X-Linked Cytopenia. Identifiers: MedGen C1845837, MONDO:0100089.
Diamond-Blackfan anemia. Also called: Blackfan Diamond syndrome; Aregenerative anemia chronic congenital; Red cell aplasia, pure hereditary; Congenital hypoplastic anemia; Aase syndrome. Identifiers: Orphanet 124, MedGen C1260899, MeSH D029503, MONDO:0015253, HP:0004810.

Submission:

Labcorp Genetics (formerly Invitae), Labcorp
Classification: Pathogenic for GATA binding protein 1 related thrombocytopenia with dyserythropoiesis; Diamond-Blackfan anemia. Last evaluated: 2022-07-25. Review status: criteria provided, single submitter. Criteria: Invitae Variant Classification Sherloc (09022015). Collection method: clinical testing. Allele origin: germline.
Comment: For these reasons, this variant has been classified as Pathogenic. This variant has not been reported in the literature in individuals affected with GATA1-related conditions. A gross deletion of the genomic region encompassing the full coding sequence of the GATA1 gene has been identified. Loss-of-function variants in GATA1 are known to be pathogenic (PMID: 16783379, 22706301, 23704091, 24453067). The boundaries of this event are unknown as they extend beyond the assayed region for this gene and therefore may encompass additional genes.

Literature cited by the submitters: PubMed 16783379; PubMed 22706301; PubMed 23704091; PubMed 24453067.